The following is an entry in ClinVar:

ClinVar aggregate classification (germline): Uncertain significance. Review status: criteria provided, multiple submitters, no conflicts (2 of 4 stars). 2 submissions from 2 submitters: Uncertain significance (2). Last evaluated 2023-07-10.

gnomAD v4.1: 4 of 1,613,320 alleles (0.00025%); highest among the groups gnomAD compares: Admixed American, 0.0017%; no homozygotes.

Submissions (2):

Labcorp Genetics (formerly Invitae), Labcorp
Classification: Uncertain significance. Last evaluated: 2023-07-10. Review status: criteria provided, single submitter. Criteria: Invitae Variant Classification Sherloc (09022015). Collection method: clinical testing. Allele origin: germline.
Comment: This sequence change replaces serine, which is neutral and polar, with leucine, which is neutral and non-polar, at codon 122 of the CARMIL2 protein (p.Ser122Leu). This variant is not present in population databases (gnomAD no frequency). This variant has not been reported in the literature in individuals affected with CARMIL2-related conditions. ClinVar contains an entry for this variant (Variation ID: 1356163). Advanced modeling of protein sequence and biophysical properties (such as structural, functional, and spatial information, amino acid conservation, physicochemical variation, residue mobility, and thermodynamic stability) performed at Invitae indicates that this missense variant is not expected to disrupt CARMIL2 protein function. In summary, the available evidence is currently insufficient to determine the role of this variant in disease. Therefore, it has been classified as a Variant of Uncertain Significance.

Breakthrough Genomics
Classification: Uncertain significance. Review status: criteria provided, single submitter. Criteria: ACMG Guidelines, 2015. Collection method: not provided. Allele origin: germline. Inheritance: Autosomal recessive inheritance. Affected: yes.

NM_001013838.3(CARMIL2):c.365C>T (p.Ser122Leu)

Gene: CARMIL2 (capping protein regulator and myosin 1 linker 2; plus strand). Cytogenetic location: 16q22.1.
Variant type: single nucleotide variant.
Coding change: c.365C>T on transcript NM_001013838.3 (MANE Select); coding-DNA position 365, C replaced by T.
Protein change: p.Ser122Leu; replaces serine 122 with leucine.
Molecular consequence: missense variant.
Genome position (GRCh38, 1-based): chr16:67,646,301, C>T. VCF-style: chr16-67646301-C-T. GRCh37 (hg19) VCF-style: chr16-67680204-C-T.
Other names: c.365C>T, p.Ser122Leu (NM_001317026.3); short protein forms S122L.
Identifiers: ClinVar variation 1356163 (VCV001356163.7), dbSNP rs752128218, ClinGen allele CA283201155.